The following is an entry in ClinVar:

ClinVar aggregate classification (germline): Conflicting classifications of pathogenicity. Review status: criteria provided, conflicting classifications (1 of 4 stars). 2 submissions from 2 submitters: Uncertain significance (1); Likely benign (1). Last evaluated 2024-12-06.

Conditions:
Inborn genetic diseases. Identifiers: MedGen C0950123, MeSH D030342.

Allele frequency attached by ClinVar (database versions not stated): TOPMed 0.00001; ExAC 0.00002; gnomAD exomes 0.00002; gnomAD 0.00003.

Submissions (2):

Ambry Genetics
Classification: Likely benign for Inborn genetic diseases. Last evaluated: 2024-12-06. Review status: criteria provided, single submitter. Criteria: Ambry Variant Classification Scheme 2023. Collection method: clinical testing. Allele origin: germline.

Labcorp Genetics (formerly Invitae), Labcorp
Classification: Uncertain significance. Last evaluated: 2024-07-04. Review status: criteria provided, single submitter. Criteria: Invitae Variant Classification Sherloc (09022015). Collection method: clinical testing. Allele origin: germline.
Comment: This sequence change replaces valine, which is neutral and non-polar, with isoleucine, which is neutral and non-polar, at codon 1250 of the FN1 protein (p.Val1250Ile). This variant is present in population databases (rs746075396, gnomAD 0.004%). This variant has not been reported in the literature in individuals affected with FN1-related conditions. ClinVar contains an entry for this variant (Variation ID: 1980809). Advanced modeling of protein sequence and biophysical properties (such as structural, functional, and spatial information, amino acid conservation, physicochemical variation, residue mobility, and thermodynamic stability) performed at Invitae indicates that this missense variant is not expected to disrupt FN1 protein function with a negative predictive value of 80%. In summary, the available evidence is currently insufficient to determine the role of this variant in disease. Therefore, it has been classified as a Variant of Uncertain Significance.

NM_212482.4(FN1):c.3748G>A (p.Val1250Ile)

Gene: FN1 (fibronectin 1; minus strand). Cytogenetic location: 2q35.
Variant type: single nucleotide variant.
Coding change: c.3748G>A on transcript NM_212482.4 (MANE Select); coding-DNA position 3748, G replaced by A.
Protein change: p.Val1250Ile; replaces valine 1250 with isoleucine.
Molecular consequence: missense variant.
Genome position (GRCh38, 1-based): chr2:215,394,576, C>T on the plus strand (G>A on the coding strand, the complement: FN1 is on the minus strand). VCF-style: chr2-215394576-C-T. GRCh37 (hg19) VCF-style: chr2-216259299-C-T.
Other names: c.3748G>A (NM_212482.1); c.3748G>A, p.Val1250Ile (NM_001306129.2, NM_001306130.2, NM_001306131.2 and 13 more transcripts); short protein forms V1250I.
Identifiers: ClinVar variation 1980809 (VCV001980809.5), dbSNP rs746075396, ClinGen allele CA2094637.